The following is an entry in ClinVar:

NM_005045.4(RELN):c.8371C>T (p.Pro2791Ser)

Genes: SLC26A5-AS1 (SLC26A5 antisense RNA 1; plus strand), RELN (reelin; minus strand). Cytogenetic location: 7q22.1.
Variant type: single nucleotide variant.
Coding change: c.8371C>T on transcript NM_005045.4 (MANE Select); coding-DNA position 8371, C replaced by T.
Protein change: p.Pro2791Ser; replaces proline 2791 with serine.
Molecular consequence: missense variant.
Genome position (GRCh38, 1-based): chr7:103,503,134, G>A on the plus strand (C>T on the coding strand, the complement: RELN is on the minus strand). VCF-style: chr7-103503134-G-A. GRCh37 (hg19) VCF-style: chr7-103143581-G-A.
Other names: c.8371C>T, p.Pro2791Ser (NM_173054.3); short protein forms P2791S.
Identifiers: ClinVar variation 1061353 (VCV001061353.9), dbSNP rs2117039679, ClinGen allele CA368757369.

ClinVar aggregate classification (germline): Uncertain significance (1 of 4 stars; one submission).

Conditions:
Familial temporal lobe epilepsy 7. Identifiers: Orphanet 101046, MedGen C4225327, MONDO:0014639, OMIM 616436.
Norman-Roberts syndrome (LIS2). Also called: Lissencephaly 2 (Norman-Roberts type). Identifiers: Orphanet 89844, MedGen C0796089, MONDO:0009760, OMIM 257320.

Submission:

Labcorp Genetics (formerly Invitae), Labcorp
Classification: Uncertain significance for Familial temporal lobe epilepsy 7; Norman-Roberts syndrome. Last evaluated: 2020-06-01. Review status: criteria provided, single submitter. Criteria: Invitae Variant Classification Sherloc (09022015). Collection method: clinical testing. Allele origin: germline.
Comment: This sequence change replaces proline with serine at codon 2791 of the RELN protein (p.Pro2791Ser). The proline residue is moderately conserved and there is a moderate physicochemical difference between proline and serine. This variant is not present in population databases (ExAC no frequency). This variant has not been reported in the literature in individuals with RELN-related conditions. Algorithms developed to predict the effect of missense changes on protein structure and function (SIFT, PolyPhen-2, Align-GVGD) all suggest that this variant is likely to be tolerated, but these predictions have not been confirmed by published functional studies and their clinical significance is uncertain. In summary, the available evidence is currently insufficient to determine the role of this variant in disease. Therefore, it has been classified as a Variant of Uncertain Significance.